The following is an entry in ClinVar:

ClinVar aggregate classification (germline): Uncertain significance (1 of 4 stars; one submission).

Conditions:
Dilated cardiomyopathy 1D. Identifiers: Orphanet 154, Orphanet 54260, MedGen C1832243, MONDO:0011095, OMIM 601494.
Cardiomyopathy, familial restrictive, 3. Identifiers: Orphanet 75249, MedGen C2676271, MONDO:0012900, OMIM 612422.
Hypertrophic cardiomyopathy 2. Also called: TNNT2-Related Familial Hypertrophic Cardiomyopathy. Identifiers: MedGen C1861864, MONDO:0007266, OMIM 115195.

Submission:

Labcorp Genetics (formerly Invitae), Labcorp
Classification: Uncertain significance for Cardiomyopathy, familial restrictive, 3; Hypertrophic cardiomyopathy 2; Dilated cardiomyopathy 1D. Last evaluated: 2022-08-22. Review status: criteria provided, single submitter. Criteria: Invitae Variant Classification Sherloc (09022015). Collection method: clinical testing. Allele origin: germline.
Comment: This sequence change replaces lysine, which is basic and polar, with threonine, which is neutral and polar, at codon 247 of the TNNT2 protein (p.Lys247Thr). This variant is not present in population databases (gnomAD no frequency). In summary, the available evidence is currently insufficient to determine the role of this variant in disease. Therefore, it has been classified as a Variant of Uncertain Significance. Algorithms developed to predict the effect of missense changes on protein structure and function are either unavailable or do not agree on the potential impact of this missense change (SIFT: "Deleterious"; PolyPhen-2: "Benign"; Align-GVGD: "Class C0"). This variant has not been reported in the literature in individuals affected with TNNT2-related conditions.

NM_001276345.2(TNNT2):c.770A>C (p.Lys257Thr)

Gene: TNNT2 (troponin T2, cardiac type; minus strand). Cytogenetic location: 1q32.1.
Variant type: single nucleotide variant.
Coding change: c.770A>C on transcript NM_001276345.2 (MANE Select); coding-DNA position 770, A replaced by C.
Protein change: p.Lys257Thr; replaces lysine 257 with threonine.
Molecular consequence: missense variant.
Genome position (GRCh38, 1-based): chr1:201,361,319, T>G on the plus strand (A>C on the coding strand, the complement: TNNT2 is on the minus strand). VCF-style: chr1-201361319-T-G. GRCh37 (hg19) VCF-style: chr1-201330447-T-G.
Other names: c.761A>C, p.Lys254Thr (NM_000364.4, NM_001406723.1); c.740A>C, p.Lys247Thr (NM_001001430.3, NM_001276347.2, NM_001406724.1); c.731A>C, p.Lys244Thr (NM_001001431.3, NM_001406726.1, NM_001406727.1); c.722A>C, p.Lys241Thr (NM_001001432.3); c.641A>C, p.Lys214Thr (NM_001276346.2); c.737A>C, p.Lys246Thr (NM_001406725.1); c.725A>C, p.Lys242Thr (NM_001406728.1); short protein forms K254T, K244T, K246T, K214T, K241T, K242T, K247T, K257T.
Identifiers: ClinVar variation 2199768 (VCV002199768.4), dbSNP rs2526924338, ClinGen allele CA344202671.